The following is an entry in ClinVar:

NM_001127222.2(CACNA1A):c.3481A>G (p.Arg1161Gly)

Gene: CACNA1A (calcium voltage-gated channel subunit alpha1 A; minus strand). Cytogenetic location: 19p13.13.
Variant type: single nucleotide variant.
Coding change: c.3481A>G on transcript NM_001127222.2 (MANE Select); coding-DNA position 3481, A replaced by G.
Protein change: p.Arg1161Gly; replaces arginine 1161 with glycine.
Molecular consequence: missense variant.
Genome position (GRCh38, 1-based): chr19:13,286,575, T>C on the plus strand (A>G on the coding strand, the complement: CACNA1A is on the minus strand). VCF-style: chr19-13286575-T-C. GRCh37 (hg19) VCF-style: chr19-13397389-T-C.
Other names: c.3493A>G, p.Arg1165Gly (NM_000068.4, NM_023035.3); c.3484A>G, p.Arg1162Gly (NM_001127221.2, NM_001174080.2); short protein forms R1161G, R1165G, R1162G.
Identifiers: ClinVar variation 650282 (VCV000650282.4), dbSNP rs760265407, ClinGen allele CA9240310.

ClinVar aggregate classification (germline): Uncertain significance (1 of 4 stars; one submission).

Conditions:
Developmental and epileptic encephalopathy, 42 (DEE42A). Also called: Epileptic encephalopathy, early infantile, 42; DEVELOPMENTAL AND EPILEPTIC ENCEPHALOPATHY 42A; EPILEPTIC ENCEPHALOPATHY, EARLY INFANTILE, 42A. Identifiers: MedGen C4310716, MONDO:0014917, OMIM 617106.
Episodic ataxia type 2 (EA2). Also called: CEREBELLAR ATAXIA, PAROXYSMAL, ACETAZOLAMIDE-RESPONSIVE; CEREBELLOPATHY, HEREDITARY PAROXYSMAL; EPISODIC ATAXIA, NYSTAGMUS-ASSOCIATED; ATAXIA, EPISODIC, WITH NYSTAGMUS; ATAXIA, FAMILIAL PAROXYSMAL; ACETAZOLAMIDE-RESPONSIVE HEREDITARY PAROXYSMAL CEREBELLAR ATAXIA. Identifiers: Orphanet 97, MedGen C1720416, MONDO:0007163, OMIM 108500.

Allele frequency attached by ClinVar (database versions not stated): TOPMed below 0.00001; ExAC 0.00001; gnomAD 0.00001; gnomAD exomes 0.00001.
gnomAD v4.1: 10 of 1,544,826 alleles (0.00065%); highest among the groups gnomAD compares: Non-Finnish European, 0.00078%; no homozygotes.

Submission:

Labcorp Genetics (formerly Invitae), Labcorp
Classification: Uncertain significance for Developmental and epileptic encephalopathy, 42; Episodic ataxia type 2. Last evaluated: 2024-04-15. Review status: criteria provided, single submitter. Criteria: Invitae Variant Classification Sherloc (09022015). Collection method: clinical testing. Allele origin: germline.
Comment: This sequence change replaces arginine, which is basic and polar, with glycine, which is neutral and non-polar, at codon 1162 of the CACNA1A protein (p.Arg1162Gly). The frequency data for this variant in the population databases is considered unreliable, as metrics indicate poor data quality at this position in the gnomAD database. This variant has not been reported in the literature in individuals affected with CACNA1A-related conditions. ClinVar contains an entry for this variant (Variation ID: 650282). Advanced modeling of protein sequence and biophysical properties (such as structural, functional, and spatial information, amino acid conservation, physicochemical variation, residue mobility, and thermodynamic stability) performed at Invitae indicates that this missense variant is not expected to disrupt CACNA1A protein function with a negative predictive value of 95%. In summary, the available evidence is currently insufficient to determine the role of this variant in disease. Therefore, it has been classified as a Variant of Uncertain Significance.